The following is an entry in ClinVar:

NM_018060.4(IARS2):c.2251G>A (p.Asp751Asn)

Gene: IARS2 (isoleucyl-tRNA synthetase 2, mitochondrial; plus strand). Cytogenetic location: 1q41.
Variant type: single nucleotide variant.
Coding change: c.2251G>A on transcript NM_018060.4 (MANE Select); coding-DNA position 2251, G replaced by A.
Protein change: p.Asp751Asn; replaces aspartic acid 751 with asparagine.
Molecular consequence: missense variant.
Genome position (GRCh38, 1-based): chr1:220,139,083, G>A. VCF-style: chr1-220139083-G-A. GRCh37 (hg19) VCF-style: chr1-220312425-G-A.
Other names: c.2251G>A (NM_018060.3); short protein forms D751N.
Identifiers: ClinVar variation 1960403 (VCV001960403.3), dbSNP rs373528069, ClinGen allele CA1401721.
Genomic context (GRCh38, chr1:220,139,083, plus strand): 5'-CGCTTTCTTTTGGGAAATGTGGCTGATTTCAACCCAGAAACAGATTCCATCCCTGTAAAC[G>A]ATATGTATGTCATAGACCAGTACATGCTACACTTACTGCAGGATTTGGCAAACAAGGTAA-3'
Protein context (NP_060530.3, residues 741-761): NPETDSIPVN[Asp751Asn]MYVIDQYMLH

ClinVar aggregate classification (germline): Conflicting classifications of pathogenicity. Review status: criteria provided, conflicting classifications (1 of 4 stars). 2 submissions from 2 submitters: Uncertain significance (1); Likely benign (1). Last evaluated 2024-03-15.

Conditions:
Inborn genetic diseases. Identifiers: MedGen C0950123, MeSH D030342.

Allele frequency attached by ClinVar (database versions not stated): ExAC 0.00002; gnomAD exomes 0.00002; gnomAD 0.00003; TOPMed 0.00004; ESP Exome Variant Server 0.00015.
gnomAD v4.1: 36 of 1,612,724 alleles (0.0022%); highest among the groups gnomAD compares: African/African-American, 0.0067%; no homozygotes.

Submissions (2):

Ambry Genetics
Classification: Likely benign for Inborn genetic diseases. Last evaluated: 2024-03-15. Review status: criteria provided, single submitter. Criteria: Ambry Variant Classification Scheme 2023. Collection method: clinical testing. Allele origin: germline.

Labcorp Genetics (formerly Invitae), Labcorp
Classification: Uncertain significance. Last evaluated: 2022-03-12. Review status: criteria provided, single submitter. Criteria: Invitae Variant Classification Sherloc (09022015). Collection method: clinical testing. Allele origin: germline.
Comment: This sequence change replaces aspartic acid, which is acidic and polar, with asparagine, which is neutral and polar, at codon 751 of the IARS2 protein (p.Asp751Asn). This variant is present in population databases (rs373528069, gnomAD 0.01%). This variant has not been reported in the literature in individuals affected with IARS2-related conditions. Algorithms developed to predict the effect of missense changes on protein structure and function output the following: SIFT: "Tolerated"; PolyPhen-2: "Benign"; Align-GVGD: "Class C0". The asparagine amino acid residue is found in multiple mammalian species, which suggests that this missense change does not adversely affect protein function. In summary, the available evidence is currently insufficient to determine the role of this variant in disease. Therefore, it has been classified as a Variant of Uncertain Significance.